The following is an entry in ClinVar:

NM_004004.6(GJB2):c.275C>T (p.Ala92Val)

Gene: GJB2 (gap junction protein beta 2; minus strand). Cytogenetic location: 13q12.11.
Variant type: single nucleotide variant.
Coding change: c.275C>T on transcript NM_004004.6 (MANE Select); coding-DNA position 275, C replaced by T.
Protein change: p.Ala92Val; replaces alanine 92 with valine.
Molecular consequence: missense variant.
Genome position (GRCh38, 1-based): chr13:20,189,307, G>A on the plus strand (C>T on the coding strand, the complement: GJB2 is on the minus strand). VCF-style: chr13-20189307-G-A. GRCh37 (hg19) VCF-style: chr13-20763446-G-A.
Other names: short protein forms A92V.
Identifiers: ClinVar variation 995072 (VCV000995072.5), dbSNP rs1959060006, ClinGen allele CA387461493.

ClinVar aggregate classification (germline): Uncertain significance. Review status: criteria provided, multiple submitters, no conflicts (2 of 4 stars). 2 submissions from 2 submitters: Uncertain significance (2). Last evaluated 2022-02-08.

Submissions (2):

Labcorp Genetics (formerly Invitae), Labcorp
Classification: Uncertain significance. Last evaluated: 2022-02-08. Review status: criteria provided, single submitter. Criteria: Invitae Variant Classification Sherloc (09022015). Collection method: clinical testing. Allele origin: germline.
Comment: ClinVar contains an entry for this variant (Variation ID: 995072). In summary, the available evidence is currently insufficient to determine the role of this variant in disease. Therefore, it has been classified as a Variant of Uncertain Significance. Advanced modeling of protein sequence and biophysical properties (such as structural, functional, and spatial information, amino acid conservation, physicochemical variation, residue mobility, and thermodynamic stability) performed at Invitae indicates that this missense variant is expected to disrupt GJB2 protein function. This variant has not been reported in the literature in individuals affected with GJB2-related conditions. This variant is not present in population databases (gnomAD no frequency). This sequence change replaces alanine, which is neutral and non-polar, with valine, which is neutral and non-polar, at codon 92 of the GJB2 protein (p.Ala92Val).

Athena Diagnostics
Classification: Uncertain significance. Last evaluated: 2019-10-31. Review status: criteria provided, single submitter. Criteria: Athena Diagnostics Criteria. Collection method: clinical testing. Allele origin: unknown.